The following is an entry in ClinVar:

NM_016734.3(PAX5):c.903T>G (p.Ile301Met)

Gene: PAX5 (paired box 5; minus strand). Cytogenetic location: 9p13.2.
Variant type: single nucleotide variant.
Coding change: c.903T>G on transcript NM_016734.3 (MANE Select); coding-DNA position 903, T replaced by G.
Protein change: p.Ile301Met; replaces isoleucine 301 with methionine.
Molecular consequence: missense variant. On other transcripts: intron variant (2).
Genome position (GRCh38, 1-based): chr9:36,923,362, A>C on the plus strand (T>G on the coding strand, the complement: PAX5 is on the minus strand). VCF-style: chr9-36923362-A-C. GRCh37 (hg19) VCF-style: chr9-36923359-A-C.
Other names: c.903T>G, p.Ile301Met (NM_001280547.2, NM_001280548.2, NM_001280552.2); c.579T>G, p.Ile193Met (NM_001280551.2, NM_001280556.2); c.774T>G, p.Ile258Met (NM_001280553.2, NM_001280554.2); c.705T>G, p.Ile235Met (NM_001280555.2); c.780+43187T>G (NM_001280550.2, NM_001280549.2); short protein forms I301M, I235M, I258M, I193M.
Identifiers: ClinVar variation 3885882 (VCV003885882.1).
Genomic context (GRCh38, chr9:36,923,362, plus strand): 5'-TCCTATCTCTCTCTCTCTCCCTCACTCATCCCCCATGCCCCAGGTGCCCTCACCTGTCAC[A>C]ATGGGGTAGGACTGCGGGCCTGGCACACTGCTCCCGATGTCAGCAGGGGTGGGGCTGGCC-3'
Protein context (NP_057953.1, residues 291-311): SSVPGPQSYP[Ile301Met]VTGRDLASTT

ClinVar aggregate classification (germline): Uncertain significance (1 of 4 stars; one submission).

Conditions:
Inborn genetic diseases. Identifiers: MedGen C0950123, MeSH D030342.

gnomAD v4.1: 9 of 1,610,924 alleles (0.00056%); highest among the groups gnomAD compares: Non-Finnish European, 0.00059%; no homozygotes.

Submission:

Ambry Genetics
Classification: Uncertain significance for Inborn genetic diseases. Last evaluated: 2024-12-12. Review status: criteria provided, single submitter. Criteria: Ambry Variant Classification Scheme 2023. Collection method: clinical testing. Allele origin: germline.
Comment: The p.I301M variant (also known as c.903T>G), located in coding exon 7 of the PAX5 gene, results from a T to G substitution at nucleotide position 903. The isoleucine at codon 301 is replaced by methionine, an amino acid with highly similar properties. This amino acid position is conserved. In addition, the in silico prediction for this alteration is inconclusive. Based on the available evidence, the clinical significance of this variant remains unclear.